The following is an entry in ClinVar:

NM_001379081.2(FREM1):c.2675A>C (p.Lys892Thr)

Genes: FREM1 (FRAS1 related extracellular matrix 1; minus strand), LOC126860582 (P300/CBP strongly-dependent group 1 enhancer GRCh37_chr9:14812530-14813729; plus strand). Cytogenetic location: 9p22.3.
Variant type: single nucleotide variant.
Coding change: c.2675A>C on transcript NM_001379081.2 (MANE Select); coding-DNA position 2675, A replaced by C.
Protein change: p.Lys892Thr; replaces lysine 892 with threonine.
Molecular consequence: missense variant. On other transcripts: non-coding transcript variant (2).
Genome position (GRCh38, 1-based): chr9:14,813,030, T>G on the plus strand (A>C on the coding strand, the complement: FREM1 is on the minus strand). VCF-style: chr9-14813030-T-G. GRCh37 (hg19) VCF-style: chr9-14813028-T-G.
Other names: c.2675A>C, p.Lys892Thr (NM_144966.7); short protein forms K892T.
Identifiers: ClinVar variation 2831708 (VCV002831708.3), dbSNP rs1325768494, ClinGen allele CA372953848.

ClinVar aggregate classification (germline): Uncertain significance (1 of 4 stars; one submission).

Submission:

Labcorp Genetics (formerly Invitae), Labcorp
Classification: Uncertain significance. Last evaluated: 2023-08-10. Review status: criteria provided, single submitter. Criteria: Invitae Variant Classification Sherloc (09022015). Collection method: clinical testing. Allele origin: germline.
Comment: In summary, the available evidence is currently insufficient to determine the role of this variant in disease. Therefore, it has been classified as a Variant of Uncertain Significance. Advanced modeling of protein sequence and biophysical properties (such as structural, functional, and spatial information, amino acid conservation, physicochemical variation, residue mobility, and thermodynamic stability) performed at Invitae indicates that this missense variant is not expected to disrupt FREM1 protein function. This variant has not been reported in the literature in individuals affected with FREM1-related conditions. This variant is not present in population databases (gnomAD no frequency). This sequence change replaces lysine, which is basic and polar, with threonine, which is neutral and polar, at codon 892 of the FREM1 protein (p.Lys892Thr).